The following is an entry in ClinVar:

NM_001042492.3(NF1):c.3893A>G (p.Gln1298Arg)

Gene: NF1 (neurofibromin 1; plus strand). Cytogenetic location: 17q11.2.
Variant type: single nucleotide variant.
Coding change: c.3893A>G on transcript NM_001042492.3 (MANE Select); coding-DNA position 3893, A replaced by G.
Protein change: p.Gln1298Arg; replaces glutamine 1298 with arginine.
Molecular consequence: missense variant.
Genome position (GRCh38, 1-based): chr17:31,235,940, A>G. VCF-style: chr17-31235940-A-G. GRCh37 (hg19) VCF-style: chr17-29562958-A-G.
Other names: c.3893A>G, p.Gln1298Arg (NM_000267.4); short protein forms Q1298R.
Identifiers: ClinVar variation 187148 (VCV000187148.3), dbSNP rs786203509, ClinGen allele CA196851.

ClinVar aggregate classification (germline): Uncertain significance (1 of 4 stars; one submission).

Conditions:
Hereditary cancer-predisposing syndrome. Also called: Neoplastic Syndromes, Hereditary; Tumor predisposition; Hereditary Cancer Syndrome; Hereditary neoplastic syndrome. Identifiers: Orphanet 140162, MedGen C0027672, MeSH D009386, MONDO:0015356.

Submission:

Ambry Genetics
Classification: Uncertain significance for Hereditary cancer-predisposing syndrome. Last evaluated: 2014-11-07. Review status: criteria provided, single submitter. Criteria: Ambry Autosomal Dominant and X-Linked criteria (10/2015). Collection method: clinical testing. Allele origin: germline. Observed: 1 variant allele.
Comment: The p.Q1298R variant (also known as c.3893A>G), located in coding exon 29 of the NF1 gene, results from an A to G substitution at nucleotide position 3893. The glutamine at codon 1298 is replaced by arginine, an amino acid with highly similar properties. This variant was not reported in population based cohorts in the following databases: Database of Single Nucleotide Polymorphisms (dbSNP), NHLBI Exome Sequencing Project (ESP), and 1000 Genomes Project. In the ESP, this variant was not observed in 6503 samples (13006 alleles) with coverage at this position. To date, this alteration has been detected with an allele frequency of approximately 0.01% (greater than 11,000 alleles tested) in our clinical cohort. This amino acid position is highly conserved in available vertebrate species. In addition, this alteration is predicted to be deleterious by in silico analysis. Since supporting evidence is limited at this time, the clinical significance of p.Q1298R remains unclear.